The following is an entry in ClinVar:

ClinVar aggregate classification (germline): Uncertain significance (1 of 4 stars; one submission).

gnomAD v4.1: 2 of 1,614,028 alleles (0.00012%); highest among the groups gnomAD compares: South Asian, 0.0011%; no homozygotes.

Submission:

Labcorp Genetics (formerly Invitae), Labcorp
Classification: Uncertain significance. Last evaluated: 2022-02-24. Review status: criteria provided, single submitter. Criteria: Invitae Variant Classification Sherloc (09022015). Collection method: clinical testing. Allele origin: germline.
Comment: This sequence change replaces glycine, which is neutral and non-polar, with valine, which is neutral and non-polar, at codon 133 of the UNC80 protein (p.Gly133Val). This variant is not present in population databases (gnomAD no frequency). This variant has not been reported in the literature in individuals affected with UNC80-related conditions. Algorithms developed to predict the effect of missense changes on protein structure and function are either unavailable or do not agree on the potential impact of this missense change (SIFT: "Not Available"; PolyPhen-2: "Possibly Damaging"; Align-GVGD: "Not Available"). In summary, the available evidence is currently insufficient to determine the role of this variant in disease. Therefore, it has been classified as a Variant of Uncertain Significance.

NM_001371986.1(UNC80):c.398G>T (p.Gly133Val)

Gene: UNC80 (unc-80 subunit of NALCN channel complex; plus strand). Cytogenetic location: 2q34.
Variant type: single nucleotide variant.
Coding change: c.398G>T on transcript NM_001371986.1 (MANE Select); coding-DNA position 398, G replaced by T.
Protein change: p.Gly133Val; replaces glycine 133 with valine.
Molecular consequence: missense variant.
Genome position (GRCh38, 1-based): chr2:209,777,357, G>T. VCF-style: chr2-209777357-G-T. GRCh37 (hg19) VCF-style: chr2-210642081-G-T.
Other names: c.398G>T, p.Gly133Val (NM_182587.4, NM_032504.2); short protein forms G133V.
Identifiers: ClinVar variation 1494612 (VCV001494612.8), dbSNP rs138421862, ClinGen allele CA350131112.